The following is an entry in ClinVar:

NM_013432.5(TONSL):c.3179C>T (p.Thr1060Ile)

Gene: TONSL (tonsoku like, DNA repair protein; minus strand). Cytogenetic location: 8q24.3.
Variant type: single nucleotide variant.
Coding change: c.3179C>T on transcript NM_013432.5 (MANE Select); coding-DNA position 3179, C replaced by T.
Protein change: p.Thr1060Ile; replaces threonine 1060 with isoleucine.
Molecular consequence: missense variant.
Genome position (GRCh38, 1-based): chr8:144,434,186, G>A on the plus strand (C>T on the coding strand, the complement: TONSL is on the minus strand). VCF-style: chr8-144434186-G-A. GRCh37 (hg19) VCF-style: chr8-145659569-G-A.
Other names: short protein forms T1060I.
Identifiers: ClinVar variation 2040224 (VCV002040224.3), dbSNP rs1030794050, ClinGen allele CA187665749.
Genomic context (GRCh38, chr8:144,434,186, plus strand): 5'-TTCCCTGCCAGGCGCAGCTCCCGGAGTGCTGTGTGCAGCTTGAGGGCCCGCAGCAGGGGT[G>A]TAAGCTGGGCCTGGTCCAGGGCCAGGGAGCAGGCGCTGAACGAGAGGCCCAAGCCCTGGA-3'
Protein context (NP_038460.4, residues 1050-1070): CSLALDQAQL[Thr1060Ile]PLLRALKLHT

ClinVar aggregate classification (germline): Uncertain significance (1 of 4 stars; one submission).

gnomAD v4.1: 10 of 1,600,302 alleles (0.00062%); highest among the groups gnomAD compares: Non-Finnish European, 0.00085%; no homozygotes.

Submission:

Labcorp Genetics (formerly Invitae), Labcorp
Classification: Uncertain significance. Last evaluated: 2025-05-12. Review status: criteria provided, single submitter. Criteria: Invitae Variant Classification Sherloc (09022015). Collection method: clinical testing. Allele origin: germline.
Comment: This sequence change replaces threonine, which is neutral and polar, with isoleucine, which is neutral and non-polar, at codon 1060 of the TONSL protein (p.Thr1060Ile). This variant is not present in population databases (gnomAD no frequency). This variant has not been reported in the literature in individuals affected with TONSL-related conditions. ClinVar contains an entry for this variant (Variation ID: 2040224). Invitae Evidence Modeling of protein sequence and biophysical properties (such as structural, functional, and spatial information, amino acid conservation, physicochemical variation, residue mobility, and thermodynamic stability) has been performed for this missense variant. However, the output from this modeling did not meet the statistical confidence thresholds required to predict the impact of this variant on TONSL protein function. In summary, the available evidence is currently insufficient to determine the role of this variant in disease. Therefore, it has been classified as a Variant of Uncertain Significance.